The following is an entry in ClinVar:

ClinVar aggregate classification (germline): Uncertain significance (1 of 4 stars; one submission).

Conditions:
Hepatic methionine adenosyltransferase deficiency. Also called: Methionine adenosyltransferase deficiency; Deficiency of methionine adenosyltransferase; Isolated Persistent Hypermethioninemia; MAT I/III DEFICIENCY. Identifiers: Orphanet 168598, MedGen C0268621, MeSH C564683, MONDO:0009607, OMIM 250850.

Submission:

Labcorp Genetics (formerly Invitae), Labcorp
Classification: Uncertain significance for Hepatic methionine adenosyltransferase deficiency. Last evaluated: 2022-10-21. Review status: criteria provided, single submitter. Criteria: Invitae Variant Classification Sherloc (09022015). Collection method: clinical testing. Allele origin: germline.
Comment: In summary, the available evidence is currently insufficient to determine the role of this variant in disease. Therefore, it has been classified as a Variant of Uncertain Significance. Advanced modeling of protein sequence and biophysical properties (such as structural, functional, and spatial information, amino acid conservation, physicochemical variation, residue mobility, and thermodynamic stability) has been performed at Invitae for this missense variant, however the output from this modeling did not meet the statistical confidence thresholds required to predict the impact of this variant on MAT1A protein function. This variant has not been reported in the literature in individuals affected with MAT1A-related conditions. This variant is not present in population databases (gnomAD no frequency). This sequence change replaces threonine, which is neutral and polar, with isoleucine, which is neutral and non-polar, at codon 182 of the MAT1A protein (p.Thr182Ile).

NM_000429.3(MAT1A):c.545C>T (p.Thr182Ile)

Gene: MAT1A (methionine adenosyltransferase 1A; minus strand). Cytogenetic location: 10q22.3.
Variant type: single nucleotide variant.
Coding change: c.545C>T on transcript NM_000429.3 (MANE Select); coding-DNA position 545, C replaced by T.
Protein change: p.Thr182Ile; replaces threonine 182 with isoleucine.
Molecular consequence: missense variant.
Genome position (GRCh38, 1-based): chr10:80,280,177, G>A on the plus strand (C>T on the coding strand, the complement: MAT1A is on the minus strand). VCF-style: chr10-80280177-G-A. GRCh37 (hg19) VCF-style: chr10-82039933-G-A.
Other names: short protein forms T182I.
Identifiers: ClinVar variation 1722025 (VCV001722025.6), dbSNP rs2492495865, ClinGen allele CA377362596.